The following is an entry in ClinVar:

NM_024675.4(PALB2):c.2581T>G (p.Leu861Val)

Gene: PALB2 (partner and localizer of BRCA2; minus strand). Cytogenetic location: 16p12.2.
Variant type: single nucleotide variant.
Coding change: c.2581T>G on transcript NM_024675.4 (MANE Select); coding-DNA position 2581, T replaced by G.
Protein change: p.Leu861Val; replaces leucine 861 with valine.
Molecular consequence: missense variant.
Genome position (GRCh38, 1-based): chr16:23,629,209, A>C on the plus strand (T>G on the coding strand, the complement: PALB2 is on the minus strand). VCF-style: chr16-23629209-A-C. GRCh37 (hg19) VCF-style: chr16-23640530-A-C.
Other names: short protein forms L861V.
Identifiers: ClinVar variation 410150 (VCV000410150.10), dbSNP rs1060502763, ClinGen allele CA16615231.

ClinVar aggregate classification (germline): Uncertain significance. Review status: criteria provided, multiple submitters, no conflicts (2 of 4 stars). 2 submissions from 2 submitters: Uncertain significance (2). Last evaluated 2024-05-30.

Conditions:
Hereditary cancer-predisposing syndrome. Also called: Tumor predisposition; Hereditary Cancer Syndrome; Hereditary neoplastic syndrome; Neoplastic Syndromes, Hereditary. Identifiers: Orphanet 140162, MedGen C0027672, MeSH D009386, MONDO:0015356.
Familial cancer of breast. Also called: BREAST CANCER, FAMILIAL; Hereditary breast cancer; hereditary breast carcinoma. Identifiers: Orphanet 227535, MedGen C0346153, MONDO:0016419, OMIM 114480. Disease mechanism: loss of function.

Submissions (2):

Ambry Genetics
Classification: Uncertain significance for Hereditary cancer-predisposing syndrome. Last evaluated: 2024-05-30. Review status: criteria provided, single submitter. Criteria: Ambry Variant Classification Scheme 2023. Collection method: clinical testing. Allele origin: germline.
Comment: The p.L861V variant (also known as c.2581T>G), located in coding exon 6 of the PALB2 gene, results from a T to G substitution at nucleotide position 2581. The leucine at codon 861 is replaced by valine, an amino acid with highly similar properties. This amino acid position is highly conserved in available vertebrate species. In addition, this alteration is predicted to be tolerated by in silico analysis. Based on the available evidence, the clinical significance of this variant remains unclear.

Labcorp Genetics (formerly Invitae), Labcorp
Classification: Uncertain significance for Familial cancer of breast. Last evaluated: 2016-12-19. Review status: criteria provided, single submitter. Criteria: Invitae Variant Classification Sherloc (09022015). Collection method: clinical testing. Allele origin: germline.
Comment: In summary, this variant is a novel missense change with uncertain impact on protein function. It has been classified as a Variant of Uncertain Significance. Algorithms developed to predict the effect of sequence changes on RNA splicing suggest that this variant may alter RNA splicing, but this prediction has not been confirmed by published transcriptional studies. Algorithms developed to predict the effect of missense changes on protein structure and function do not agree on the potential impact of this missense change (SIFT: "Tolerated"; PolyPhen-2: "Possibly Damaging"; Align-GVGD: "Class C0"). This variant is not present in population databases (ExAC no frequency) and has not been reported in the literature in individuals with a PALB2-related disease. This sequence change replaces leucine with valine at codon 861 of the PALB2 protein (p.Leu861Val). The leucine residue is highly conserved and there is a small physicochemical difference between leucine and valine.